The following is an entry in ClinVar:

NM_001042492.3(NF1):c.4684_4687dup (p.Asn1563delinsThrTer)

Gene: NF1 (neurofibromin 1; plus strand). Cytogenetic location: 17q11.2.
Variant type: Duplication.
Coding change: c.4684_4687dup on transcript NM_001042492.3 (MANE Select); coding-DNA positions 4684 to 4687, 4 bases duplicated (CTTA; older notation c.4684_4687dupCTTA).
Protein change: p.Asn1563delinsThrTer.
Molecular consequence: nonsense. On other transcripts: frameshift variant (1).
Genome position (GRCh38, 1-based): chr17:31,261,817-31,261,820, CTTA duplicated. VCF-style (leftmost placement, unchanged base first): chr17-31261816-C-CCTTA. GRCh37 (hg19) VCF-style: chr17-29588834-C-CCTTA.
Other names: c.4621_4624dup, p.Asn1542Thrfs (NM_000267.4).
Identifiers: ClinVar variation 3720119 (VCV003720119.2).

ClinVar aggregate classification (germline): Pathogenic (1 of 4 stars; one submission).

Conditions:
Neurofibromatosis, type 1 (NF1). Also called: VON RECKLINGHAUSEN DISEASE; NEUROFIBROMATOSIS, TYPE I, SOMATIC; Peripheral type neurofibromatosis; Neurofibromatosis, type I. Identifiers: Orphanet 636, MedGen C0027831, MONDO:0018975, OMIM 162200. Disease mechanism: loss of function.

Submission:

Labcorp Genetics (formerly Invitae), Labcorp
Classification: Pathogenic for Neurofibromatosis, type 1. Last evaluated: 2024-09-19. Review status: criteria provided, single submitter. Criteria: Invitae Variant Classification Sherloc (09022015). Collection method: clinical testing. Allele origin: germline.
Comment: This sequence change creates a premature translational stop signal (p.Asn1542Thrfs*2) in the NF1 gene. It is expected to result in an absent or disrupted protein product. Loss-of-function variants in NF1 are known to be pathogenic (PMID: 10712197, 23913538). This variant is not present in population databases (gnomAD no frequency). This variant has not been reported in the literature in individuals affected with NF1-related conditions. Algorithms developed to predict the effect of sequence changes on RNA splicing suggest that this variant may disrupt the consensus splice site. For these reasons, this variant has been classified as Pathogenic.

Literature cited by the submitters: PubMed 10712197; PubMed 23913538.